The following is an entry in ClinVar:

ClinVar aggregate classification (germline): Likely benign. Review status: criteria provided, multiple submitters, no conflicts (2 of 4 stars). 3 submissions from 3 submitters: Likely benign (3). Last evaluated 2026-06-24.

Conditions:
CLN3-related disorder. Also called: CLN3-related condition. Identifiers: MedGen CN382248.
Neuronal ceroid lipofuscinosis. Also called: Neuronal Ceroid Lipofuscinoses. Identifiers: Orphanet 216, Orphanet 79263, MedGen C0027877, MONDO:0016295. Disease mechanism: loss of function.

Allele frequency attached by ClinVar (database versions not stated): gnomAD exomes below 0.00001; TOPMed 0.00001.
gnomAD v4.1: 9 of 1,613,234 alleles (0.00056%); highest among the groups gnomAD compares: South Asian, 0.0011%; no homozygotes.

Submissions (3):

PreventionGenetics, part of Exact Sciences
Classification: Likely benign for CLN3-related condition. Last evaluated: 2026-06-24. Review status: criteria provided, single submitter. Criteria: ACMG Guidelines, 2015. Collection method: clinical testing. Allele origin: germline.
Comment: This variant is classified as likely benign based on ACMG/AMP sequence variant interpretation guidelines (Richards et al. 2015 PMID: 25741868, with internal and published modifications).

Labcorp Genetics (formerly Invitae), Labcorp
Classification: Likely benign for Neuronal ceroid lipofuscinosis. Last evaluated: 2025-04-23. Review status: criteria provided, single submitter. Criteria: Invitae Variant Classification Sherloc (09022015). Collection method: clinical testing. Allele origin: germline.

Blueprint Genetics
Classification: Likely benign. Last evaluated: 2019-11-19. Review status: criteria provided, single submitter. Criteria: ACMG Guidelines, 2015. Collection method: clinical testing. Allele origin: germline.

NM_001042432.2(CLN3):c.204A>G (p.Thr68=)

Gene: CLN3 (CLN3 lysosomal/endosomal transmembrane protein, battenin; minus strand). Cytogenetic location: 16p12.1.
Variant type: single nucleotide variant.
Coding change: c.204A>G on transcript NM_001042432.2 (MANE Select); coding-DNA position 204, A replaced by G.
Protein change: p.Thr68=; no amino-acid change (threonine 68 retained).
Molecular consequence: synonymous variant. On other transcripts: 5 prime UTR variant (1).
Genome position (GRCh38, 1-based): chr16:28,489,308, T>C on the plus strand (A>G on the coding strand, the complement: CLN3 is on the minus strand). VCF-style: chr16-28489308-T-C. GRCh37 (hg19) VCF-style: chr16-28500629-T-C.
Other names: c.204A>G, p.Thr68= (NM_000086.2, NM_001286104.2); c.-17A>G (NM_001286105.2); c.42A>G, p.Thr14= (NM_001286109.2, NM_001286110.2); c.204A>G (NM_001042432.1).
Identifiers: ClinVar variation 1095390 (VCV001095390.11), dbSNP rs1001999703, ClinGen allele CA494272911.